The following is an entry in ClinVar:

ClinVar aggregate classification (germline): Uncertain significance (1 of 4 stars; one submission).

Conditions:
Familial hemophagocytic lymphohistiocytosis 5. Also called: STXBP2-Related Familial Hemophagocytic Lymphohistiocytosis (STXBP2-fHLH). Identifiers: Orphanet 540, MedGen C2751293, MONDO:0013135, OMIM 613101.

Submission:

Labcorp Genetics (formerly Invitae), Labcorp
Classification: Uncertain significance for Familial hemophagocytic lymphohistiocytosis 5. Last evaluated: 2024-11-11. Review status: criteria provided, single submitter. Criteria: Invitae Variant Classification Sherloc (09022015). Collection method: clinical testing. Allele origin: germline.
Comment: This sequence change replaces isoleucine, which is neutral and non-polar, with leucine, which is neutral and non-polar, at codon 526 of the STXBP2 protein (p.Ile526Leu). This variant is not present in population databases (gnomAD no frequency). This variant has not been reported in the literature in individuals affected with STXBP2-related conditions. ClinVar contains an entry for this variant (Variation ID: 1461679). Invitae Evidence Modeling of protein sequence and biophysical properties (such as structural, functional, and spatial information, amino acid conservation, physicochemical variation, residue mobility, and thermodynamic stability) indicates that this missense variant is not expected to disrupt STXBP2 protein function with a negative predictive value of 95%. In summary, the available evidence is currently insufficient to determine the role of this variant in disease. Therefore, it has been classified as a Variant of Uncertain Significance.

NM_006949.4(STXBP2):c.1576A>T (p.Ile526Leu)

Gene: STXBP2 (syntaxin binding protein 2; plus strand). Cytogenetic location: 19p13.2.
Variant type: single nucleotide variant.
Coding change: c.1576A>T on transcript NM_006949.4 (MANE Select); coding-DNA position 1576, A replaced by T.
Protein change: p.Ile526Leu; replaces isoleucine 526 with leucine.
Molecular consequence: missense variant. On other transcripts: non-coding transcript variant (1).
Genome position (GRCh38, 1-based): chr19:7,647,391, A>T. VCF-style: chr19-7647391-A-T. GRCh37 (hg19) VCF-style: chr19-7712277-A-T.
Other names: c.1567A>T, p.Ile523Leu (NM_001127396.3); c.1609A>T, p.Ile537Leu (NM_001272034.2); short protein forms I523L, I526L, I537L.
Identifiers: ClinVar variation 1461679 (VCV001461679.8), dbSNP rs6791, ClinGen allele CA403161998.